The following is an entry in ClinVar:

ClinVar aggregate classification (germline): Uncertain significance. Review status: criteria provided, multiple submitters, no conflicts (2 of 4 stars). 4 submissions from 4 submitters: Uncertain significance (3). 1 of the submissions does not count toward it. Last evaluated 2024-12-19.

Conditions:
Ellis-van Creveld syndrome (EVC). Also called: Chondroectodermal dysplasia; MESOECTODERMAL DYSPLASIA. Identifiers: Orphanet 289, MedGen C0013903, MONDO:0009162, OMIM 225500.
EVC2-related disorder. Also called: EVC2-related condition.
Curry-Hall syndrome (WAD). Also called: WEYERS ACRODENTAL DYSOSTOSIS. Identifiers: Orphanet 952, MedGen C0457013, MONDO:0008673, OMIM 193530.

Allele frequency attached by ClinVar (database versions not stated): gnomAD 0.00001; TOPMed 0.00001; ExAC 0.00002; gnomAD exomes 0.00002.
gnomAD v4.1: 26 of 1,614,180 alleles (0.0016%); highest among the groups gnomAD compares: Middle Eastern, 0.049%; no homozygotes.

Submissions (4):

PreventionGenetics, part of Exact Sciences
Classification: Uncertain significance for EVC2-related condition. Last evaluated: 2024-12-19. Review status: criteria provided, single submitter. Criteria: ACMG Guidelines, 2015. Collection method: clinical testing. Allele origin: germline.
Comment: The EVC2 c.2776G>A variant is predicted to result in the amino acid substitution p.Glu926Lys. This variant has been reported in a fetus with Ellis-van Creveld syndrome (Pangalos et al. 2016. PubMed ID: 27168972) and in one family with non-syndromic cleft lip and/or palate (Suppl. Dataset 1, Pengelly. 2016. PubMed ID: 27456059). This variant is reported in 0.0056% of alleles in individuals of Latino descent in gnomAD. Although we suspect this variant may be pathogenic, at this time, the clinical significance of this variant is uncertain due to the absence of conclusive functional and genetic evidence.

Labcorp Genetics (formerly Invitae), Labcorp
Classification: Uncertain significance for Curry-Hall syndrome; Ellis-van Creveld syndrome. Last evaluated: 2024-02-22. Review status: criteria provided, single submitter. Criteria: Invitae Variant Classification Sherloc (09022015). Collection method: clinical testing. Allele origin: germline.
Comment: This sequence change replaces glutamic acid, which is acidic and polar, with lysine, which is basic and polar, at codon 926 of the EVC2 protein (p.Glu926Lys). This variant is present in population databases (rs761946397, gnomAD 0.006%). This missense change has been observed in individual(s) with Ellis-van Creveld syndrome (PMID: 27168972). ClinVar contains an entry for this variant (Variation ID: 555317). Algorithms developed to predict the effect of missense changes on protein structure and function output the following: SIFT: "Not Available"; PolyPhen-2: "Benign"; Align-GVGD: "Not Available". The lysine amino acid residue is found in multiple mammalian species, which suggests that this missense change does not adversely affect protein function. In summary, the available evidence is currently insufficient to determine the role of this variant in disease. Therefore, it has been classified as a Variant of Uncertain Significance.

Blueprint Genetics
Classification: Uncertain significance. Last evaluated: 2023-12-01. Review status: criteria provided, single submitter. Criteria: ACMG Guidelines, 2015. Collection method: clinical testing. Allele origin: germline.

Counsyl
Classification: Uncertain significance for Ellis-van Creveld syndrome. Last evaluated: 2017-11-28. Review status: no assertion criteria provided. Collection method: clinical testing. Allele origin: unknown. Not counted in ClinVar's aggregate classification.

Literature cited by the submitters: PubMed 27168972 (cited by Labcorp Genetics (formerly Invitae), Labcorp and Counsyl).

NM_147127.5(EVC2):c.2776G>A (p.Glu926Lys)

Gene: EVC2 (EvC ciliary complex subunit 2; minus strand). Cytogenetic location: 4p16.2.
Variant type: single nucleotide variant.
Coding change: c.2776G>A on transcript NM_147127.5 (MANE Select); coding-DNA position 2776, G replaced by A.
Protein change: p.Glu926Lys; replaces glutamic acid 926 with lysine.
Molecular consequence: missense variant.
Genome position (GRCh38, 1-based): chr4:5,615,475, C>T on the plus strand (G>A on the coding strand, the complement: EVC2 is on the minus strand). VCF-style: chr4-5615475-C-T. GRCh37 (hg19) VCF-style: chr4-5617202-C-T.
Other names: c.2536G>A, p.Glu846Lys (NM_001166136.2); short protein forms E926K, E846K.
Identifiers: ClinVar variation 555317 (VCV000555317.5), dbSNP rs761946397, ClinGen allele CA2834585.
Genomic context (GRCh38, chr4:5,615,475, plus strand): 5'-TACTGACCTTTTCCACCAGGTCTTCAGAGGCCTGTTCCTCACAGAGGTGAATTTTGTCTT[C>T]GATGCACTTCTTCAGAAGCTCTCCCTTGCTTTTACTCTTGGACCGTGACTTTCTCACCTT-3'
Protein context (NP_667338.3, residues 916-936): SKGELLKKCI[Glu926Lys]DKIHLCEEQA